The following is an entry in ClinVar:

ClinVar aggregate classification (germline): Conflicting classifications of pathogenicity. Review status: criteria provided, conflicting classifications (1 of 4 stars). 4 submissions from 4 submitters: Likely pathogenic (2); Uncertain significance (1). 1 of the submissions does not count toward it. Last evaluated 2024-08-07.

Conditions:
SOST-related disorder. Also called: SOST-related condition.
Craniodiaphyseal dysplasia, autosomal dominant (CDD). Identifiers: Orphanet 1513, MedGen C2675746, MONDO:0021021, OMIM 122860.

Submissions (4):

Blueprint Genetics
Classification: Uncertain significance. Last evaluated: 2024-08-07. Review status: criteria provided, single submitter. Criteria: ACMG Guidelines, 2015. Collection method: clinical testing. Allele origin: germline.

Department of Human Genetics, Hannover Medical School
Classification: Likely pathogenic for Craniodiaphyseal dysplasia, autosomal dominant. Last evaluated: 2024-02-14. Review status: criteria provided, single submitter. Criteria: ACMG Guidelines, 2015. Collection method: clinical testing. Allele origin: germline. Affected: yes.

PreventionGenetics, part of Exact Sciences
Classification: Likely pathogenic for SOST-related condition. Last evaluated: 2023-09-25. Review status: criteria provided, single submitter. Criteria: ACMG Guidelines, 2015. Collection method: clinical testing. Allele origin: germline.
Comment: The SOST c.61G>A variant is predicted to result in the amino acid substitution p.Val21Met. This variant was reported to occur de novo in an individual with autosomal dominant craniodiaphyseal dysplasia (Kim et al 2011. PubMed ID: 21221996). In addition, an alternative amino acid substitution at this position (c.61G>T, p.Val21Leu) was also reported in a patient with presumed autosomal dominant craniodiaphyseal dysplasia (Kim et al 2011. PubMed ID: 21221996). Functional studies with both variants indicate the p.Val21 residue is part of the secretion signal of the protein and disrupts sclerostin secretion (Kim et al 2011. PubMed ID: 21221996). This variant has not been reported in a large population database, indicating this variant is rare. This variant is interpreted as likely pathogenic.

OMIM
Classification: Pathogenic for CRANIODIAPHYSEAL DYSPLASIA, AUTOSOMAL DOMINANT. Last evaluated: 2011-05-01. Review status: no assertion criteria provided. Collection method: literature only. Allele origin: germline. Not counted in ClinVar's aggregate classification.

Literature cited by the submitters: PubMed 21221996 (cited by OMIM).

NM_025237.3(SOST):c.61G>A (p.Val21Met)

Gene: SOST (sclerostin; minus strand). Cytogenetic location: 17q21.31.
Variant type: single nucleotide variant.
Coding change: c.61G>A on transcript NM_025237.3 (MANE Select); coding-DNA position 61, G replaced by A.
Protein change: p.Val21Met; replaces valine 21 with methionine.
Molecular consequence: missense variant.
Genome position (GRCh38, 1-based): chr17:43,758,681, C>T on the plus strand (G>A on the coding strand, the complement: SOST is on the minus strand). VCF-style: chr17-43758681-C-T. GRCh37 (hg19) VCF-style: chr17-41836049-C-T.
Other names: c.61G>A (NM_025237.2); short protein forms V21M.
Identifiers: ClinVar variation 31592 (VCV000031592.4), dbSNP rs387907169, ClinGen allele CA129828.